The following is an entry in ClinVar:

ClinVar aggregate classification (germline): Uncertain significance. Review status: criteria provided, multiple submitters, no conflicts (2 of 4 stars). 4 submissions from 4 submitters: Uncertain significance (4). Last evaluated 2024-04-27.

Conditions:
Maturity-onset diabetes of the young type 9 (MODY9). Identifiers: Orphanet 552, MedGen C2677132, MONDO:0012818, OMIM 612225.
Diabetes mellitus, ketosis-prone (KPD). Identifiers: MedGen C3837958, MONDO:0100180, OMIM 612227.
Type 2 diabetes mellitus. Also called: Type II diabetes mellitus. Identifiers: MedGen C0011860, MeSH D003924, MONDO:0005148, OMIM 125853, HP:0005978.

Allele frequency attached by ClinVar (database versions not stated): gnomAD 0.00004; TOPMed 0.00008; ESP Exome Variant Server 0.00015.

Submissions (4):

Labcorp Genetics (formerly Invitae), Labcorp
Classification: Uncertain significance. Last evaluated: 2024-04-27. Review status: criteria provided, single submitter. Criteria: Invitae Variant Classification Sherloc (09022015). Collection method: clinical testing. Allele origin: germline.
Comment: This sequence change replaces arginine, which is basic and polar, with cysteine, which is neutral and slightly polar, at codon 218 of the PAX4 protein (p.Arg218Cys). This variant is present in population databases (rs369459316, gnomAD 0.1%), and has an allele count higher than expected for a pathogenic variant. This variant has not been reported in the literature in individuals affected with PAX4-related conditions. ClinVar contains an entry for this variant (Variation ID: 1316203). An algorithm developed to predict the effect of missense changes on protein structure and function (PolyPhen-2) suggests that this variant is likely to be disruptive. In summary, the available evidence is currently insufficient to determine the role of this variant in disease. Therefore, it has been classified as a Variant of Uncertain Significance.

Blueprint Genetics
Classification: Uncertain significance. Last evaluated: 2023-04-21. Review status: criteria provided, single submitter. Criteria: ACMG Guidelines, 2015. Collection method: clinical testing. Allele origin: germline.

Fulgent Genetics
Classification: Uncertain significance for Type 2 diabetes mellitus; Maturity-onset diabetes of the young type 9; Diabetes mellitus, ketosis-prone. Last evaluated: 2021-09-17. Review status: criteria provided, single submitter. Criteria: ACMG Guidelines, 2015. Collection method: clinical testing. Allele origin: unknown.

GeneDx
Classification: Uncertain significance. Last evaluated: 2019-04-24. Review status: criteria provided, single submitter. Criteria: GeneDx Variant Classification Process June 2021. Collection method: clinical testing. Allele origin: germline. Affected: yes.
Comment: In silico analysis, which includes protein predictors and evolutionary conservation, supports a deleterious effect; Has not been previously published as pathogenic or benign to our knowledge

NM_001366110.1(PAX4):c.676C>T (p.Arg226Cys)

Gene: PAX4 (paired box 4; minus strand). Cytogenetic location: 7q32.1.
Variant type: single nucleotide variant.
Coding change: c.676C>T on transcript NM_001366110.1 (MANE Select); coding-DNA position 676, C replaced by T.
Protein change: p.Arg226Cys; replaces arginine 226 with cysteine.
Molecular consequence: missense variant.
Genome position (GRCh38, 1-based): chr7:127,613,061, G>A on the plus strand (C>T on the coding strand, the complement: PAX4 is on the minus strand). VCF-style: chr7-127613061-G-A. GRCh37 (hg19) VCF-style: chr7-127253115-G-A.
Other names: NM_006193.2:c.652C>T; c.676C>T, p.Arg226Cys (NM_001366111.1); short protein forms R226C.
Identifiers: ClinVar variation 1316203 (VCV001316203.7), dbSNP rs369459316, ClinGen allele CA4467986.